The following is an entry in ClinVar:

ClinVar aggregate classification (germline): Likely pathogenic. Review status: criteria provided, multiple submitters, no conflicts (2 of 4 stars). 2 submissions from 2 submitters: Likely pathogenic (2). Last evaluated 2026-01-21.

Conditions:
Cardiovascular phenotype. Identifiers: MedGen CN230736.
Autosomal recessive limb-girdle muscular dystrophy type 2J (LGMDR10). Also called: MUSCULAR DYSTROPHY, LIMB-GIRDLE, AUTOSOMAL RECESSIVE 10; Limb-girdle muscular dystrophy, type 2J. Identifiers: Orphanet 140922, MedGen C1837342, MONDO:0012127, OMIM 608807.
Dilated cardiomyopathy 1G (CMD1G). Identifiers: Orphanet 154, MedGen C1858763, MONDO:0011400, OMIM 604145.

Submissions (2):

Labcorp Genetics (formerly Invitae), Labcorp
Classification: Likely pathogenic for Dilated cardiomyopathy 1G; Autosomal recessive limb-girdle muscular dystrophy type 2J. Last evaluated: 2026-01-21. Review status: criteria provided, single submitter. Criteria: Invitae Variant Classification Sherloc (09022015). Collection method: clinical testing. Allele origin: germline.
Comment: This sequence change creates a premature translational stop signal (p.Tyr23807*) in the TTN gene. While this is not anticipated to result in nonsense mediated decay, it is expected to create a truncated TTN protein. This variant is not present in population databases (gnomAD no frequency). This premature translational stop signal has been observed in individual(s) with dilated cardiomyopathy (PMID: 25163546). This variant is also known as c.44802T>G (p.Y14934X). ClinVar contains an entry for this variant (Variation ID: 1740488). This variant is located in the A band of TTN (PMID: 25589632). Truncating variants in this region are significantly overrepresented in patients affected with dilated cardiomyopathy (PMID: 25589632). Truncating variants in this region have also been reported in individuals affected with autosomal recessive centronuclear myopathy (PMID: 23975875). In summary, the currently available evidence indicates that the variant is pathogenic, but additional data are needed to prove that conclusively. Therefore, this variant has been classified as Likely Pathogenic.

Ambry Genetics
Classification: Likely pathogenic for Cardiovascular phenotype. Last evaluated: 2021-06-07. Review status: criteria provided, single submitter. Criteria: Ambry Variant Classification Scheme 2023. Collection method: clinical testing. Allele origin: germline.
Comment: The p.Y14742* variant (also known as c.44226T>G), located in coding exon 153 of the TTN gene, results from a T to G substitution at nucleotide position 44226. This changes the amino acid from a tyrosine to a stop codon within coding exon 153. This exon is located in the A-band region of the N2-B isoform of the titin protein and is constitutively expressed in TTN transcripts (percent spliced in or PSI 100%). This alteration is expected to result in loss of function by premature protein truncation or nonsense-mediated mRNA decay. While truncating variants in TTN are present in 1-3% of the general population, truncating variants in the A-band are the most common cause of dilated cardiomyopathy (DCM) (Herman DS et al. N. Engl. J. Med., 2012 Feb;366:619-28; Roberts AM et al. Sci Transl Med, 2015 Jan;7:270ra6). TTN truncating variants encoded in constitutive exons (PSI >90%) have been found to be significantly associated with DCM regardless of their position in titin (Schafer S et al. Nat. Genet., 2017 01;49:46-53). As such, this alteration is classified as likely pathogenic.

Literature cited by the submitters: PubMed 25163546 (cited by Labcorp Genetics (formerly Invitae), Labcorp); PubMed 25589632 (cited by Labcorp Genetics (formerly Invitae), Labcorp); PubMed 23975875 (cited by Labcorp Genetics (formerly Invitae), Labcorp).

NM_001267550.2(TTN):c.71421T>G (p.Tyr23807Ter)

Genes: TTN-AS1 (TTN antisense RNA 1; plus strand), TTN (titin; minus strand). Cytogenetic location: 2q31.2.
Variant type: single nucleotide variant.
Coding change: c.71421T>G on transcript NM_001267550.2 (MANE Select); coding-DNA position 71421, T replaced by G.
Protein change: p.Tyr23807Ter; replaces tyrosine 23807 with a stop codon.
Molecular consequence: nonsense.
Genome position (GRCh38, 1-based): chr2:178,574,711, A>C on the plus strand (T>G on the coding strand, the complement: TTN is on the minus strand). VCF-style: chr2-178574711-A-C. GRCh37 (hg19) VCF-style: chr2-179439438-A-C.
Other names: c.66498T>G, p.Tyr22166Ter (NM_001256850.1); c.44226T>G, p.Tyr14742Ter (NM_003319.4); c.63717T>G, p.Tyr21239Ter (NM_133378.4); c.44601T>G, p.Tyr14867Ter (NM_133432.3); c.44802T>G, p.Tyr14934Ter (NM_133437.4); short protein forms Y14867*, Y14742*, Y14934*, Y21239*, Y22166*, Y23807*.
Identifiers: ClinVar variation 1740488 (VCV001740488.4), dbSNP rs745999472, ClinGen allele CA349653815.